The following is an entry in ClinVar:

NM_001134363.3(RBM20):c.967C>A (p.His323Asn)

Gene: RBM20 (RNA binding motif protein 20; plus strand). Cytogenetic location: 10q25.2.
Variant type: single nucleotide variant.
Coding change: c.967C>A on transcript NM_001134363.3 (MANE Select); coding-DNA position 967, C replaced by A.
Protein change: p.His323Asn; replaces histidine 323 with asparagine.
Molecular consequence: missense variant.
Genome position (GRCh38, 1-based): chr10:110,781,576, C>A. VCF-style: chr10-110781576-C-A. GRCh37 (hg19) VCF-style: chr10-112541334-C-A.
Other names: c.967C>A (NM_001134363.1); short protein forms H323N.
Identifiers: ClinVar variation 1402669 (VCV001402669.7), dbSNP rs868524421, ClinGen allele CA213234966.

ClinVar aggregate classification (germline): Uncertain significance. Review status: criteria provided, multiple submitters, no conflicts (2 of 4 stars). 2 submissions from 2 submitters: Uncertain significance (2). Last evaluated 2025-06-25.

Conditions:
Dilated cardiomyopathy 1DD (CMD1DD). Identifiers: Orphanet 154, MedGen C2750995, MONDO:0013168, OMIM 613172.

Allele frequency attached by ClinVar (database versions not stated): gnomAD exomes below 0.00001; gnomAD 0.00001.
gnomAD v4.1: 2 of 1,551,550 alleles (0.00013%); highest among the groups gnomAD compares: Admixed American, 0.002%; no homozygotes.

Submissions (2):

GeneDx
Classification: Uncertain significance. Last evaluated: 2025-06-25. Review status: criteria provided, single submitter. Criteria: GeneDx Variant Classification Process June 2021. Collection method: clinical testing. Allele origin: germline. Affected: yes.
Comment: Not observed at significant frequency in large population cohorts (gnomAD); In silico analysis suggests that this missense variant does not alter protein structure/function; Has not been previously published as pathogenic or benign to our knowledge

Labcorp Genetics (formerly Invitae), Labcorp
Classification: Uncertain significance for Dilated cardiomyopathy 1DD. Last evaluated: 2023-12-06. Review status: criteria provided, single submitter. Criteria: Invitae Variant Classification Sherloc (09022015). Collection method: clinical testing. Allele origin: germline.
Comment: This sequence change replaces histidine, which is basic and polar, with asparagine, which is neutral and polar, at codon 323 of the RBM20 protein (p.His323Asn). This variant is not present in population databases (gnomAD no frequency). This variant has not been reported in the literature in individuals affected with RBM20-related conditions. ClinVar contains an entry for this variant (Variation ID: 1402669). Advanced modeling of protein sequence and biophysical properties (such as structural, functional, and spatial information, amino acid conservation, physicochemical variation, residue mobility, and thermodynamic stability) performed at Invitae indicates that this missense variant is not expected to disrupt RBM20 protein function with a negative predictive value of 95%. In summary, the available evidence is currently insufficient to determine the role of this variant in disease. Therefore, it has been classified as a Variant of Uncertain Significance.